The following is an entry in ClinVar:

ClinVar aggregate classification (germline): Uncertain significance. Review status: criteria provided, multiple submitters, no conflicts (2 of 4 stars). 3 submissions from 3 submitters: Uncertain significance (3). Last evaluated 2025-07-11.

gnomAD v4.1: 14 of 1,613,336 alleles (0.00087%); highest among the groups gnomAD compares: Admixed American, 0.013%; no homozygotes.

Submissions (3):

GeneDx
Classification: Uncertain significance. Last evaluated: 2025-07-11. Review status: criteria provided, single submitter. Criteria: GeneDx Variant Classification Process June 2021. Collection method: clinical testing. Allele origin: germline. Affected: yes.
Comment: Nonsense variant predicted to result in protein truncation or nonsense mediated decay in a gene for which loss of function is a known mechanism of disease; Has not been previously published as pathogenic or benign in association with an OBSL1-related disorder to our knowledge; This variant is associated with the following publications: (PMID: 34598035)

Women's Health and Genetics/Laboratory Corporation of America, LabCorp
Classification: Uncertain significance. Last evaluated: 2023-12-12. Review status: criteria provided, single submitter. Criteria: LabCorp Variant Classification Summary - May 2015. Collection method: clinical testing. Allele origin: germline.
Comment: Variant summary: OBSL1 c.4783C>T (p.Arg1595X) results in a premature termination codon, predicted to cause a truncation of the encoded protein, however significance of variants in this region is unclear. No pathogenic variants have been observed downstream. The variant allele was found at a frequency of 2.4e-05 in 247982 control chromosomes. The available data on variant occurrences in the general population are insufficient to allow any conclusion about variant significance. To our knowledge, no occurrence of c.4783C>T in individuals affected with Three M Syndrome 2 and no experimental evidence demonstrating its impact on protein function have been reported. One submitter has cited clinical-significance assessments for this variant to ClinVar after 2014 and has classified the variant as uncertain significance. Based on the evidence outlined above, the variant was classified as uncertain significance.

Labcorp Genetics (formerly Invitae), Labcorp
Classification: Uncertain significance. Last evaluated: 2021-12-24. Review status: criteria provided, single submitter. Criteria: Invitae Variant Classification Sherloc (09022015). Collection method: clinical testing. Allele origin: germline.
Comment: This sequence change creates a premature translational stop signal (p.Arg1595*) in the OBSL1 gene. However, it is currently unclear if variants that occur in this region of the gene cause disease. This variant is present in population databases (rs200174777, gnomAD 0.02%). This variant has not been reported in the literature in individuals affected with OBSL1-related conditions. In summary, the available evidence is currently insufficient to determine the role of this variant in disease. Therefore, it has been classified as a Variant of Uncertain Significance.

NM_015311.3(OBSL1):c.4783C>T (p.Arg1595Ter)

Gene: OBSL1 (obscurin like cytoskeletal adaptor 1; minus strand). Cytogenetic location: 2q35.
Variant type: single nucleotide variant.
Coding change: c.4783C>T on transcript NM_015311.3 (MANE Select); coding-DNA position 4783, C replaced by T.
Protein change: p.Arg1595Ter; replaces arginine 1595 with a stop codon.
Molecular consequence: nonsense.
Genome position (GRCh38, 1-based): chr2:219,554,567, G>A on the plus strand (C>T on the coding strand, the complement: OBSL1 is on the minus strand). VCF-style: chr2-219554567-G-A. GRCh37 (hg19) VCF-style: chr2-220419289-G-A.
Other names: c.4783C>T (NM_015311.2); short protein forms R1595*.
Identifiers: ClinVar variation 1505536 (VCV001505536.7), dbSNP rs200174777, ClinGen allele CA2130431.
Genomic context (GRCh38, chr2:219,554,567, plus strand): 5'-AATCCGCTGTGAAGGAGACACAGCCTGAGTCGGCCAGGCCCAGGCCATTGAGTACCAGTC[G>A]GTGACGGTGGCCGTCCGAGTGGATGTGACACTTGGGTCCTGGATACAGCTGTACTCCACC-3'